The following is an entry in ClinVar:

NM_001379451.1(BCORL1):c.28G>A (p.Gly10Ser)

Gene: BCORL1 (BCL6 corepressor like 1; plus strand). Cytogenetic location: Xq26.1.
Variant type: single nucleotide variant.
Coding change: c.28G>A on transcript NM_001379451.1 (MANE Select); coding-DNA position 28, G replaced by A.
Protein change: p.Gly10Ser; replaces glycine 10 with serine.
Molecular consequence: missense variant.
Genome position (GRCh38, 1-based): chrX:130,005,259, G>A. VCF-style: chrX-130005259-G-A. GRCh37 (hg19) VCF-style: chrX-129139235-G-A.
Other names: c.28G>A, p.Gly10Ser (NM_001184772.3, NM_001379450.1, NM_021946.5); short protein forms G10S.
Identifiers: ClinVar variation 2504657 (VCV002504657.1), dbSNP rs1325772447, ClinGen allele CA414561391.

ClinVar aggregate classification (germline): Uncertain significance (1 of 4 stars; one submission).

Allele frequency attached by ClinVar (database versions not stated): TOPMed below 0.00001; gnomAD 0.00001.
gnomAD v4.1: 7 of 1,210,148 alleles (0.00058%); highest among the groups gnomAD compares: Admixed American, 0.0022%; no homozygotes.

Submission:

GeneDx
Classification: Uncertain significance. Last evaluated: 2022-12-12. Review status: criteria provided, single submitter. Criteria: GeneDx Variant Classification Process June 2021. Collection method: clinical testing. Allele origin: germline. Affected: yes.
Comment: Not observed at significant frequency in large population cohorts (gnomAD); In silico analysis supports that this missense variant does not alter protein structure/function; Has not been previously published as pathogenic or benign to our knowledge